The following is an entry in ClinVar:

NM_001035.3(RYR2):c.9736A>G (p.Met3246Val)

Gene: RYR2 (ryanodine receptor 2; plus strand). Cytogenetic location: 1q43.
Variant type: single nucleotide variant.
Coding change: c.9736A>G on transcript NM_001035.3 (MANE Select); coding-DNA position 9736, A replaced by G.
Protein change: p.Met3246Val; replaces methionine 3246 with valine.
Molecular consequence: missense variant.
Genome position (GRCh38, 1-based): chr1:237,707,104, A>G. VCF-style: chr1-237707104-A-G. GRCh37 (hg19) VCF-style: chr1-237870404-A-G.
Other names: short protein forms M3246V.
Identifiers: ClinVar variation 229227 (VCV000229227.22), dbSNP rs745839689, ClinGen allele CA087949.

ClinVar aggregate classification (germline): Conflicting classifications of pathogenicity. Review status: criteria provided, conflicting classifications (1 of 4 stars). 5 submissions from 5 submitters: Uncertain significance (4); Likely benign (1). Last evaluated 2025-11-03.

Conditions:
Cardiovascular phenotype. Identifiers: MedGen CN230736.
Catecholaminergic polymorphic ventricular tachycardia (CVPT). Also called: Catecholamine-induced polymorphic ventricular tachycardia. Identifiers: Orphanet 3286, MedGen C5574922, MONDO:0017990.
Catecholaminergic polymorphic ventricular tachycardia 1. Also called: VENTRICULAR TACHYCARDIA, STRESS-INDUCED POLYMORPHIC 1; RYR2-Related Catecholaminergic Polymorphic Ventricular Tachycardia; VENTRICULAR TACHYCARDIA, CATECHOLAMINERGIC POLYMORPHIC, 1, WITH OR WITHOUT ATRIAL DYSFUNCTION AND/OR DILATED CARDIOMYOPATHY. Identifiers: Orphanet 3286, MedGen C1631597, MONDO:0011484, OMIM 604772.
Cardiomyopathy (CMYO). Also called: Cardiomyopathies. Identifiers: Orphanet 167848, MedGen C0878544, MONDO:0004994, HP:0001638. Inheritance: Various modes of inheritance.

Allele frequency attached by ClinVar (database versions not stated): TOPMed 0.00001; ExAC 0.00002; gnomAD exomes 0.00002 and 0.00004.
gnomAD v4.1: 22 of 1,613,826 alleles (0.0014%); highest among the groups gnomAD compares: South Asian, 0.019%; no homozygotes.

Submissions (5):

Labcorp Genetics (formerly Invitae), Labcorp
Classification: Likely benign for Catecholaminergic polymorphic ventricular tachycardia 1. Last evaluated: 2025-11-03. Review status: criteria provided, single submitter. Criteria: Invitae Variant Classification Sherloc (09022015). Collection method: clinical testing. Allele origin: germline.

Color Diagnostics, LLC DBA Color Health
Classification: Uncertain significance for Cardiomyopathy. Last evaluated: 2024-03-06. Review status: criteria provided, single submitter. Criteria: ACMG Guidelines, 2015. Collection method: clinical testing. Allele origin: germline.
Comment: This variant is located in the RYR2 protein. Computational prediction suggests that this variant may not impact protein structure and function (internally defined REVEL score threshold <= 0.5, PMID: 27666373). To our knowledge, functional studies have not been reported for this variant. This variant has not been reported in individuals affected with cardiovascular disorders in the literature. This variant has been identified in 11/249034 chromosomes in the general population by the Genome Aggregation Database (gnomAD). The available evidence is insufficient to determine the role of this variant in disease conclusively. Therefore, this variant is classified as a Variant of Uncertain Significance.

All of Us Research Program, National Institutes of Health
Classification: Uncertain significance for Catecholaminergic polymorphic ventricular tachycardia. Last evaluated: 2023-12-01. Review status: criteria provided, single submitter. Criteria: ACMG Guidelines, 2015. Collection method: clinical testing. Allele origin: germline. Inheritance: Autosomal dominant inheritance. Observed: 4 variant alleles, 4 heterozygotes.
Comment: This variant is located in the RYR2 protein. Computational prediction suggests that this variant may not impact protein structure and function (internally defined REVEL score threshold <= 0.5, PMID: 27666373). To our knowledge, functional studies have not been reported for this variant. This variant has not been reported in individuals affected with cardiovascular disorders in the literature. This variant has been identified in 11/249034 chromosomes in the general population by the Genome Aggregation Database (gnomAD). The available evidence is insufficient to determine the role of this variant in disease conclusively. Therefore, this variant is classified as a Variant of Uncertain Significance.

This study involves interpretation of variants in research participants for the purpose of population health screening. Participant phenotype was not available at the time of variant classification. Additional details can be found in publication PMID: 35346344, PMCID: PMC8962531

Ambry Genetics
Classification: Uncertain significance for Cardiovascular phenotype. Last evaluated: 2021-03-11. Review status: criteria provided, single submitter. Criteria: Ambry Variant Classification Scheme 2023. Collection method: clinical testing. Allele origin: germline.
Comment: The p.M3246V variant (also known as c.9736A>G), located in coding exon 68 of the RYR2 gene, results from an A to G substitution at nucleotide position 9736. The methionine at codon 3246 is replaced by valine, an amino acid with highly similar properties. This amino acid position is well conserved in available vertebrate species. In addition, this alteration is predicted to be tolerated by in silico analysis. Since supporting evidence is limited at this time, the clinical significance of this alteration remains unclear.

Laboratory for Molecular Medicine, Mass General Brigham Personalized Medicine
Classification: Uncertain significance. Last evaluated: 2015-01-19. Review status: criteria provided, single submitter. Criteria: LMM Criteria. Collection method: clinical testing. Allele origin: germline. Observed: 1 variant allele.
Comment: The p.Met3246Val in RYR2 has not been previously reported in individuals with ca rdiomyopathy, but has been identified in 2/16626 South Asian chromosomes by the Exome Aggregation Consortium (ExAC). Computation al prediction tools and conservation analysis do not provide strong support for or against an impact to the protein. In summary, the clinical significance of th e p.Met3246Val variant is uncertain.